The following is an entry in ClinVar:

ClinVar aggregate classification (germline): Uncertain significance (1 of 4 stars; one submission).

Allele frequency attached by ClinVar (database versions not stated): gnomAD exomes below 0.00001.
gnomAD v4.1: 1 of 1,211,217 alleles (0.000083%); highest among the groups gnomAD compares: Non-Finnish European, 0.00011%; no homozygotes.

Submission:

CeGaT Center for Human Genetics Tuebingen
Classification: Uncertain significance. Last evaluated: 2024-06-01. Review status: criteria provided, single submitter. Criteria: CeGaT Center For Human Genetics Tuebingen Variant Classification Criteria Version 2. Collection method: clinical testing. Allele origin: germline. Affected: yes. Observed: 3 variant alleles.
Comment: BCORL1: PM2

NM_001379451.1(BCORL1):c.1789A>G (p.Thr597Ala)

Gene: BCORL1 (BCL6 corepressor like 1; plus strand). Cytogenetic location: Xq26.1.
Variant type: single nucleotide variant.
Coding change: c.1789A>G on transcript NM_001379451.1 (MANE Select); coding-DNA position 1789, A replaced by G.
Protein change: p.Thr597Ala; replaces threonine 597 with alanine.
Molecular consequence: missense variant.
Genome position (GRCh38, 1-based): chrX:130,014,561, A>G. VCF-style: chrX-130014561-A-G. GRCh37 (hg19) VCF-style: chrX-129148537-A-G.
Other names: c.1789A>G, p.Thr597Ala (NM_001184772.3, NM_001379450.1, NM_021946.5); short protein forms T597A.
Identifiers: ClinVar variation 3251154 (VCV003251154.18), dbSNP rs2522666808.